The following is an entry in ClinVar:

NM_004036.5(ADCY3):c.7A>T (p.Arg3Trp)

Gene: ADCY3 (adenylate cyclase 3; minus strand). Cytogenetic location: 2p23.3.
Variant type: single nucleotide variant.
Coding change: c.7A>T on transcript NM_004036.5 (MANE Select); coding-DNA position 7, A replaced by T.
Protein change: p.Arg3Trp; replaces arginine 3 with tryptophan.
Molecular consequence: missense variant.
Genome position (GRCh38, 1-based): chr2:24,918,981, T>A on the plus strand (A>T on the coding strand, the complement: ADCY3 is on the minus strand). VCF-style: chr2-24918981-T-A. GRCh37 (hg19) VCF-style: chr2-25141850-T-A.
Other names: c.7A>T, p.Arg3Trp (NM_001320613.2, NM_001377128.1, NM_001377129.1 and 2 more transcripts); short protein forms R3W.
Identifiers: ClinVar variation 4988868 (VCV004988868.1).

ClinVar aggregate classification (germline): Uncertain significance (1 of 4 stars; one submission).

Conditions:
ADCY3-related disorder. Also called: ADCY3-related condition.

Submission:

PreventionGenetics, part of Exact Sciences
Classification: Uncertain significance for ADCY3-related condition. Last evaluated: 2025-04-11. Review status: criteria provided, single submitter. Criteria: ACMG Guidelines, 2015. Collection method: clinical testing. Allele origin: germline.
Comment: The ADCY3 c.7A>T variant is predicted to result in the amino acid substitution p.Arg3Trp. To our knowledge, this variant has not been reported in the literature or in a large population database, indicating this variant is rare. At this time, the clinical significance of this variant is uncertain due to the absence of conclusive functional and genetic evidence.